The following is an entry in ClinVar:

NM_001195553.2(DCX):c.298G>C (p.Gly100Arg)

Gene: DCX (doublecortin; minus strand). Cytogenetic location: Xq23.
Variant type: single nucleotide variant.
Coding change: c.298G>C on transcript NM_001195553.2 (MANE Select); coding-DNA position 298, G replaced by C.
Protein change: p.Gly100Arg; replaces glycine 100 with arginine.
Molecular consequence: missense variant.
Genome position (GRCh38, 1-based): chrX:111,410,101, C>G on the plus strand (G>C on the coding strand, the complement: DCX is on the minus strand). VCF-style: chrX-111410101-C-G. GRCh37 (hg19) VCF-style: chrX-110653329-C-G.
Other names: c.541G>C, p.Gly181Arg (NM_000555.3); c.298G>C, p.Gly100Arg (NM_001369370.1, NM_001369371.1, NM_001369372.1 and 6 more transcripts); short protein forms G100R, G181R.
Identifiers: ClinVar variation 1709795 (VCV001709795.2), dbSNP rs2524858685, ClinGen allele CA414246693.
Genomic context (GRCh38, chrX:111,410,101, plus strand): 5'-CCAGTTCATCCATGCTTCCGATCTTCCTGGATCCATCAATGGTGTAAATGTAACGCACTC[C>G]CTGAGGCAGGTTGATGTTGTCAGACAGAGATCGCGTCAGGTCAGCCAGCAAGGCGTCAAA-3'
Protein context (NP_001182482.1, residues 90-110): SLSDNINLPQ[Gly100Arg]VRYIYTIDGS

ClinVar aggregate classification (germline): Likely pathogenic (1 of 4 stars; one submission).

Conditions:
Lissencephaly type 1 due to doublecortin gene mutation. Also called: LISSENCEPHALY, X-LINKED, 1; LISSENCEPHALY AND AGENESIS OF CORPUS CALLOSUM. Identifiers: Orphanet 2148, MedGen C4551968, MONDO:0010239, OMIM 300067.

Submission:

MGZ Medical Genetics Center
Classification: Likely pathogenic for Lissencephaly type 1 due to doublecortin gene mutation. Last evaluated: 2021-08-24. Review status: criteria provided, single submitter. Criteria: ACMG Guidelines, 2015. Collection method: clinical testing. Allele origin: germline. Affected: yes. Observed: 1 variant allele.
Comment: ACMG criteria applied: PM1, PM5, PM2_SUP, PP3